The following is an entry in ClinVar:

ClinVar aggregate classification (germline): Uncertain significance (1 of 4 stars; one submission).

Conditions:
Jeune thoracic dystrophy. Also called: Short-rib thoracic dysplasia; Jeune syndrome; Infantile thoracic dystrophy; Thoracic pelvic phalangeal dystrophy; Jeune's syndrome; Chondroectodermal dysplasia-like syndrome. Identifiers: Orphanet 474, MedGen C0265275, MONDO:0018770.

Allele frequency attached by ClinVar (database versions not stated): gnomAD exomes below 0.00001; TOPMed below 0.00001; ExAC 0.00001.

Submission:

Labcorp Genetics (formerly Invitae), Labcorp
Classification: Uncertain significance for Jeune thoracic dystrophy. Last evaluated: 2022-07-06. Review status: criteria provided, single submitter. Criteria: Invitae Variant Classification Sherloc (09022015). Collection method: clinical testing. Allele origin: germline.
Comment: This sequence change replaces isoleucine, which is neutral and non-polar, with phenylalanine, which is neutral and non-polar, at codon 3274 of the DYNC2H1 protein (p.Ile3274Phe). This variant is present in population databases (rs780510358, gnomAD 0.006%). This variant has not been reported in the literature in individuals affected with DYNC2H1-related conditions. Algorithms developed to predict the effect of missense changes on protein structure and function are either unavailable or do not agree on the potential impact of this missense change (SIFT: "Deleterious"; PolyPhen-2: "Benign"; Align-GVGD: "Class C0"). Algorithms developed to predict the effect of sequence changes on RNA splicing suggest that this variant may disrupt the consensus splice site. In summary, the available evidence is currently insufficient to determine the role of this variant in disease. Therefore, it has been classified as a Variant of Uncertain Significance.

NM_001080463.2(DYNC2H1):c.9820A>T (p.Ile3274Phe)

Gene: DYNC2H1 (dynein cytoplasmic 2 heavy chain 1; plus strand). Cytogenetic location: 11q22.3.
Variant type: single nucleotide variant.
Coding change: c.9820A>T on transcript NM_001080463.2 (MANE Plus Clinical); coding-DNA position 9820, A replaced by T.
Protein change: p.Ile3274Phe; replaces isoleucine 3274 with phenylalanine.
Molecular consequence: missense variant. On other transcripts: intron variant (1).
Genome position (GRCh38, 1-based): chr11:103,241,527, A>T. VCF-style: chr11-103241527-A-T. GRCh37 (hg19) VCF-style: chr11-103112256-A-T.
Other names: c.9820-2166A>T (NM_001377.3); short protein forms I3274F.
Identifiers: ClinVar variation 2152734 (VCV002152734.1), dbSNP rs780510358, ClinGen allele CA6254791.